The following is an entry in ClinVar:

NM_001365536.1(SCN9A):c.1615A>T (p.Ile539Phe)

Genes: SCN9A (sodium voltage-gated channel alpha subunit 9; minus strand), SCN1A-AS1 (SCN1A and SCN9A antisense RNA 1; plus strand). Cytogenetic location: 2q24.3.
Variant type: single nucleotide variant.
Coding change: c.1615A>T on transcript NM_001365536.1 (MANE Select); coding-DNA position 1615, A replaced by T.
Protein change: p.Ile539Phe; replaces isoleucine 539 with phenylalanine.
Molecular consequence: missense variant.
Genome position (GRCh38, 1-based): chr2:166,284,812, T>A on the plus strand (A>T on the coding strand, the complement: SCN9A is on the minus strand). VCF-style: chr2-166284812-T-A. GRCh37 (hg19) VCF-style: chr2-167141322-T-A.
Other names: c.1615A>T, p.Ile539Phe (NM_002977.4); short protein forms I539F.
Identifiers: ClinVar variation 1945410 (VCV001945410.5), dbSNP rs1294228813, ClinGen allele CA349083967.
Genomic context (GRCh38, chr2:166,284,812, plus strand): 5'-CTTTGAAACTAAAAAGACTTGTTCTGCTGCTTCGCCTTGCAGAAAACAAGGAGCCACGAA[T>A]GCTGAGTGGTGACTGCAGAAAAATTAAAAAAAACGTGGTTGCTGAAGCACCTACTGATAG-3'
Protein context (NP_001352465.1, residues 529-549): LSTPNQSPLS[Ile539Phe]RGSLFSARRS

ClinVar aggregate classification (germline): Uncertain significance (1 of 4 stars; one submission).

Conditions:
Neuropathy, hereditary sensory and autonomic, type 2A (HSAN2A). Also called: MORVAN DISEASE; NEUROPATHY, CONGENITAL SENSORY; NEUROPATHY, HEREDITARY SENSORY RADICULAR, AUTOSOMAL RECESSIVE; NEUROPATHY, HEREDITARY SENSORY, TYPE IIA; NEUROPATHY, PROGRESSIVE SENSORY, OF CHILDREN; ACROOSTEOLYSIS, GIACCAI TYPE. Identifiers: Orphanet 970, MedGen C2752089, MONDO:0024309, OMIM 201300.
Generalized epilepsy with febrile seizures plus, type 7 (GEFSP7). Also called: GEFS+, TYPE 7. Identifiers: Orphanet 36387, MedGen C2751778, MONDO:0013470, OMIM 613863.

Submission:

Labcorp Genetics (formerly Invitae), Labcorp
Classification: Uncertain significance for Neuropathy, hereditary sensory and autonomic, type 2A; Generalized epilepsy with febrile seizures plus, type 7. Last evaluated: 2022-08-30. Review status: criteria provided, single submitter. Criteria: Invitae Variant Classification Sherloc (09022015). Collection method: clinical testing. Allele origin: germline.
Comment: Algorithms developed to predict the effect of missense changes on protein structure and function output the following: SIFT: "Tolerated"; PolyPhen-2: "Benign"; Align-GVGD: "Class C0". The phenylalanine amino acid residue is found in multiple mammalian species, which suggests that this missense change does not adversely affect protein function. In summary, the available evidence is currently insufficient to determine the role of this variant in disease. Therefore, it has been classified as a Variant of Uncertain Significance. This variant has not been reported in the literature in individuals affected with SCN9A-related conditions. This variant is present in population databases (no rsID available, gnomAD 0.006%). This sequence change replaces isoleucine, which is neutral and non-polar, with phenylalanine, which is neutral and non-polar, at codon 539 of the SCN9A protein (p.Ile539Phe).